The following is an entry in ClinVar:

NM_002334.4(LRP4):c.1184-1G>A

Gene: LRP4 (LDL receptor related protein 4; minus strand). Cytogenetic location: 11p11.2.
Variant type: single nucleotide variant.
Coding change: c.1184-1G>A on transcript NM_002334.4 (MANE Select); the canonical splice acceptor site of the intron before coding-DNA position 1184, G replaced by A.
Molecular consequence: splice acceptor variant.
Genome position (GRCh38, 1-based): chr11:46,895,292, C>T on the plus strand (G>A on the coding strand, the complement: LRP4 is on the minus strand). VCF-style: chr11-46895292-C-T. GRCh37 (hg19) VCF-style: chr11-46916843-C-T.
Identifiers: ClinVar variation 1179202 (VCV001179202.2), dbSNP rs1941502709, ClinGen allele CA380286515.

ClinVar aggregate classification (germline): Likely pathogenic (1 of 4 stars; one submission).

Conditions:
Sclerosteosis 2 (SOST2). Identifiers: Orphanet 3152, MedGen C3280402, MONDO:0013679, OMIM 614305.
Congenital myasthenic syndrome 17. Identifiers: Orphanet 590, MedGen C4225377, MONDO:0014578, OMIM 616304.
Cenani-Lenz syndactyly syndrome. Also called: SYNDACTYLY, TYPE VII; CENANI SYNDACTYLISM. Identifiers: Orphanet 3258, MedGen C1859309, MONDO:0008931, OMIM 212780.

Allele frequency attached by ClinVar (database versions not stated): TOPMed below 0.00001; gnomAD 0.00001.
gnomAD v4.1: 1 of 1,612,712 alleles (0.000062%); highest among the groups gnomAD compares: Non-Finnish European, 0.000085%; no homozygotes.

Submission:

Fulgent Genetics
Classification: Likely pathogenic for Cenani-Lenz syndactyly syndrome; Sclerosteosis 2; Congenital myasthenic syndrome 17. Last evaluated: 2021-06-30. Review status: criteria provided, single submitter. Criteria: ACMG Guidelines, 2015. Collection method: clinical testing. Allele origin: unknown.
Comment: This variant has been detected in individual(s) who were sent for testing of Renasight - kidney gene panel.